The following is an entry in ClinVar:

ClinVar aggregate classification (germline): Uncertain significance (1 of 4 stars; one submission).

gnomAD v4.1: 5 of 1,612,804 alleles (0.00031%); highest among the groups gnomAD compares: Non-Finnish European, 0.00034%; no homozygotes.

Submission:

Labcorp Genetics (formerly Invitae), Labcorp
Classification: Uncertain significance. Last evaluated: 2024-11-13. Review status: criteria provided, single submitter. Criteria: Invitae Variant Classification Sherloc (09022015). Collection method: clinical testing. Allele origin: germline.
Comment: This sequence change falls in intron 10 of the SCP2 gene. It does not directly change the encoded amino acid sequence of the SCP2 protein. It affects a nucleotide within the consensus splice site. This variant is present in population databases (no rsID available, gnomAD 0.004%). This variant has not been reported in the literature in individuals affected with SCP2-related conditions. Variants that disrupt the consensus splice site are a relatively common cause of aberrant splicing (PMID: 17576681, 9536098). Algorithms developed to predict the effect of sequence changes on RNA splicing suggest that this variant is not likely to affect RNA splicing. In summary, the available evidence is currently insufficient to determine the role of this variant in disease. Therefore, it has been classified as a Variant of Uncertain Significance.

Literature cited by the submitters: PubMed 17576681; PubMed 9536098.

NM_002979.5(SCP2):c.973+4A>G

Gene: SCP2 (sterol carrier protein 2; plus strand). Cytogenetic location: 1p32.3.
Variant type: single nucleotide variant.
Coding change: c.973+4A>G on transcript NM_002979.5 (MANE Select); 4 bases into the intron after coding-DNA position 973, A replaced by G.
Molecular consequence: intron variant.
Genome position (GRCh38, 1-based): chr1:52,980,547, A>G. VCF-style: chr1-52980547-A-G. GRCh37 (hg19) VCF-style: chr1-53446219-A-G.
Other names: c.841+4A>G (NM_001193600.2, NM_001007098.3); c.901+4A>G (NM_001193599.2); c.730+4A>G (NM_001193617.2); c.973+4A>G (NM_001330587.2).
Identifiers: ClinVar variation 3700013 (VCV003700013.2).
Genomic context (GRCh38, chr1:52,980,547, plus strand): 5'-ATTGCTTTTCTACCAACGAACTCCTTACTTATGAAGCACTGGGACTCTGTCCAGAAGGTA[A>G]CATCTTTGAATAGGGCAGATTAATTCAGTAAATTTCACTGAGAAAACTTCACTTTGACCG-3'